The following is an entry in ClinVar:

NM_173628.4(DNAH17):c.4446G>T (p.Ala1482=)

Genes: DNAH17 (dynein axonemal heavy chain 17; minus strand), LOC126862654 (MED14-independent group 3 enhancer GRCh37_chr17:76502868-76504067; plus strand). Cytogenetic location: 17q25.3.
Variant type: single nucleotide variant.
Coding change: c.4446G>T on transcript NM_173628.4 (MANE Select); coding-DNA position 4446, G replaced by T.
Protein change: p.Ala1482=; no amino-acid change (alanine 1482 retained).
Molecular consequence: synonymous variant.
Genome position (GRCh38, 1-based): chr17:78,507,596, C>A on the plus strand (G>T on the coding strand, the complement: DNAH17 is on the minus strand). VCF-style: chr17-78507596-C-A. GRCh37 (hg19) VCF-style: chr17-76503678-C-A.
Identifiers: ClinVar variation 1272668 (VCV001272668.4), dbSNP rs59853990, ClinGen allele CA8803770.

ClinVar aggregate classification (germline): Benign. Review status: criteria provided, multiple submitters, no conflicts (2 of 4 stars). 3 submissions from 3 submitters: Benign (2). 1 of the submissions does not count toward it. Last evaluated 2021-05-04.

Conditions:
DNAH17-related disorder. Also called: DNAH17-related condition.

Allele frequency attached by ClinVar (database versions not stated): ESP Exome Variant Server 0.04629; TOPMed 0.05859; 1000 Genomes Project 30x 0.09541; 1000 Genomes Project 0.10004.
gnomAD v4.1: 107,941 of 1,614,010 alleles (6.7%); highest among the groups gnomAD compares: East Asian, 19%; 4,889 homozygotes.

Submissions (3):

GeneDx
Classification: Benign. Last evaluated: 2021-05-04. Review status: criteria provided, single submitter. Criteria: GeneDx Variant Classification Process June 2021. Collection method: clinical testing. Allele origin: germline. Affected: yes.

Breakthrough Genomics
Classification: Benign. Review status: criteria provided, single submitter. Criteria: ACMG Guidelines, 2015. Collection method: not provided. Allele origin: germline. Inheritance: Autosomal recessive inheritance. Affected: yes.

PreventionGenetics, part of Exact Sciences
Classification: Benign for DNAH17-related condition. Last evaluated: 2019-02-20. Review status: no assertion criteria provided. Collection method: clinical testing. Allele origin: germline. Not counted in ClinVar's aggregate classification.
Comment: This variant is classified as benign based on ACMG/AMP sequence variant interpretation guidelines (Richards et al. 2015 PMID: 25741868, with internal and published modifications).